The following is an entry in ClinVar:

NM_032776.3(JMJD1C):c.2861A>G (p.His954Arg)

Gene: JMJD1C (jumonji domain containing 1C; minus strand). Cytogenetic location: 10q21.3.
Variant type: single nucleotide variant.
Coding change: c.2861A>G on transcript NM_032776.3 (MANE Select); coding-DNA position 2861, A replaced by G.
Protein change: p.His954Arg; replaces histidine 954 with arginine.
Molecular consequence: missense variant. On other transcripts: non-coding transcript variant (1).
Genome position (GRCh38, 1-based): chr10:63,209,069, T>C on the plus strand (A>G on the coding strand, the complement: JMJD1C is on the minus strand). VCF-style: chr10-63209069-T-C. GRCh37 (hg19) VCF-style: chr10-64968829-T-C.
Other names: c.2315A>G, p.His772Arg (NM_001282948.2, NM_001318154.2); c.1997A>G, p.His666Arg (NM_001318153.2); c.2747A>G, p.His916Arg (NM_001322252.2); c.2204A>G, p.His735Arg (NM_001322254.2, NM_001322258.2); short protein forms H772R, H954R, H916R, H735R, H666R.
Identifiers: ClinVar variation 1470376 (VCV001470376.7), dbSNP rs770143068, ClinGen allele CA5518549.

ClinVar aggregate classification (germline): Uncertain significance. Review status: criteria provided, multiple submitters, no conflicts (2 of 4 stars). 2 submissions from 2 submitters: Uncertain significance (2). Last evaluated 2023-08-07.

Conditions:
JMJD1C-related Neurodevelopmental disorder.
Early Myoclonic Encephalopathy. Identifiers: MedGen C0270855.

Allele frequency attached by ClinVar (database versions not stated): ExAC 0.00001; gnomAD 0.00001 and 0.00002; gnomAD exomes 0.00001; TOPMed 0.00002.
gnomAD v4.1: 8 of 1,611,966 alleles (0.0005%); highest among the groups gnomAD compares: African/African-American, 0.0067%; no homozygotes.

Submissions (2):

Labcorp Genetics (formerly Invitae), Labcorp
Classification: Uncertain significance for Early Myoclonic Encephalopathy. Last evaluated: 2023-08-07. Review status: criteria provided, single submitter. Criteria: Invitae Variant Classification Sherloc (09022015). Collection method: clinical testing. Allele origin: germline.
Comment: This variant has not been reported in the literature in individuals affected with JMJD1C-related conditions. In summary, the available evidence is currently insufficient to determine the role of this variant in disease. Therefore, it has been classified as a Variant of Uncertain Significance. Advanced modeling of protein sequence and biophysical properties (such as structural, functional, and spatial information, amino acid conservation, physicochemical variation, residue mobility, and thermodynamic stability) has been performed at Invitae for this missense variant, however the output from this modeling did not meet the statistical confidence thresholds required to predict the impact of this variant on JMJD1C protein function. ClinVar contains an entry for this variant (Variation ID: 1470376). This variant is present in population databases (rs770143068, gnomAD 0.01%). This sequence change replaces histidine, which is basic and polar, with arginine, which is basic and polar, at codon 954 of the JMJD1C protein (p.His954Arg).

New York Genome Center
Classification: Uncertain significance for JMJD1C-related Neurodevelopmental disorder. Last evaluated: 2021-08-13. Review status: criteria provided, single submitter. Criteria: NYGC Assertion Criteria 2020. Collection method: clinical testing. Allele origin: germline. Observed: 1 heterozygote. Study: CSER-NYCKidSeq.
Comment: The heterozygous c.2861A>G (p.His954Arg) missense variant identified in the JMJD1C gene has not been reported in affected individuals in the literature. The variant has 0.00001314 allele frequency in the gnomAD(v3) database (2 out of 152178 heterozygous alleles, no homozygotes) suggesting it is not a common benign variant in the populations represented in that database. The variant affects a moderately conserved residue and in silico tools provide conflicting predictions about potential pathogenicity of this variant (CADD score = 24.1, REVEL score = 0.100). Based on the available evidence, the heterozygous c.2861A>G(p.His954Arg) missense variant identified in JMJD1C gene is reported as a Variant of Uncertain Significance.